The following is an entry in ClinVar:

ClinVar aggregate classification (germline): Uncertain significance (1 of 4 stars; one submission).

Conditions:
Neurodevelopmental disorder with early-onset parkinsonism and behavioral abnormalities. Identifiers: MedGen C5935590, MONDO:0958323, OMIM 620747.

Submission:

3billion
Classification: Uncertain significance for Neurodevelopmental disorder with early-onset parkinsonism and behavioral abnormalities. Last evaluated: 2025-05-08. Review status: criteria provided, single submitter. Criteria: ACMG Guidelines, 2015. Collection method: clinical testing. Allele origin: germline. Affected: yes.
Comment: The variant is not observed in the gnomAD v4.1.0 dataset. Predicted Consequence/Location: Missense variant. Missense changes are a common disease-causing mechanism. Damaging effect on gene or gene product predicted by in silico programs is uncertain [REVEL: 0.23 (damaging >=0.6, benign <0.4), 3Cnet: 0.30 (damaging >0.75, benign <0.1)]. Therefore, this variant is classified as VUS according to the recommendation of ACMG/AMP guideline.

NM_001013663.2(PTRHD1):c.145G>A (p.Ala49Thr)

Genes: PTRHD1 (peptidyl-tRNA hydrolase domain containing 1; minus strand), LOC129933272 (ATAC-STARR-seq lymphoblastoid active region 15435; plus strand). Cytogenetic location: 2p23.3.
Variant type: single nucleotide variant.
Coding change: c.145G>A on transcript NM_001013663.2 (MANE Select); coding-DNA position 145, G replaced by A.
Protein change: p.Ala49Thr; replaces alanine 49 with threonine.
Molecular consequence: missense variant.
Genome position (GRCh38, 1-based): chr2:24,793,233, C>T on the plus strand (G>A on the coding strand, the complement: PTRHD1 is on the minus strand). VCF-style: chr2-24793233-C-T. GRCh37 (hg19) VCF-style: chr2-25016102-C-T.
Other names: short protein forms A49T.
Identifiers: ClinVar variation 4856221 (VCV004856221.1).
Genomic context (GRCh38, chr2:24,793,233, plus strand): 5'-CTGTGTGCGGGTGGTCGCGGTGAGTGTGCAAGGCCGCGGTGGCCGCGTGACAAGCCTGCG[C>T]TACCAGTGCGCCCGCCGGCCAGGAGAACGGAGCTTGTGATAGATCCTTTCGTAACACCAA-3'
Protein context (NP_001013685.1, residues 39-59): PFSWPAGALV[Ala49Thr]QACHAATAAL